The following is an entry in ClinVar:

ClinVar aggregate classification (germline): Likely pathogenic (1 of 4 stars; one submission).

Conditions:
Coffin-Siris syndrome 6. Identifiers: MedGen C4540499, MONDO:0033492, OMIM 617808.

Submission:

3billion
Classification: Likely pathogenic for Coffin-Siris syndrome 6. Last evaluated: 2025-09-11. Review status: criteria provided, single submitter. Criteria: ACMG Guidelines, 2015. Collection method: clinical testing. Allele origin: germline. Affected: yes.
Comment: The variant is not observed in the gnomAD v4.1.0 dataset. Predicted Consequence/Location: Frameshift: predicted to result in a loss or disruption of normal protein function through nonsense-mediated decay (NMD) or protein truncation. Multiple pathogenic variants are reported downstream of the variant. Therefore, this variant is classified as Likely pathogenic according to the recommendation of ACMG/AMP guideline.

NM_152641.4(ARID2):c.5142_5143del (p.Thr1715fs)

Gene: ARID2 (AT-rich interaction domain 2; plus strand). Cytogenetic location: 12q12.
Variant type: Deletion.
Coding change: c.5142_5143del on transcript NM_152641.4 (MANE Select); coding-DNA positions 5142 to 5143, 2 bases deleted (TA; older notation c.5142_5143delTA).
Protein change: p.Thr1715fs; shifts the reading frame from threonine 1715.
Molecular consequence: frameshift variant.
Genome position (GRCh38, 1-based): chr12:45,892,091-45,892,092, TA deleted. VCF-style (leftmost placement, unchanged base first): chr12-45892090-CTA-C. GRCh37 (hg19) VCF-style: chr12-46285873-CTA-C.
Other names: c.5142_5143del, p.Thr1715fs (NM_001347839.2); short protein forms T1715fs.
Identifiers: ClinVar variation 4855799 (VCV004855799.1).